The following is an entry in ClinVar:

ClinVar aggregate classification (germline): Pathogenic. Review status: criteria provided, multiple submitters, no conflicts (2 of 4 stars). 7 submissions from 7 submitters: Pathogenic (6). 1 of the submissions does not count toward it. Last evaluated 2024-11-18.

Conditions:
LAMA2-related muscular dystrophy (LAMA2-RD). Also called: Laminin alpha 2-related dystrophy. Identifiers: MedGen C5679788, MONDO:0100228.
LAMA2-related disorder. Also called: LAMA2-related disorders; LAMA2-related condition.
Merosin deficient congenital muscular dystrophy (MDC1A). Also called: Congenital Muscular Dystrophy Type 1A (MDC1A); Congenital merosin-deficient muscular dystrophy 1A. Identifiers: Orphanet 258, MedGen C1263858, MONDO:0011925, OMIM 607855.
Muscular dystrophy, limb-girdle, autosomal recessive 23. Identifiers: Orphanet 565837, MedGen C4748327, MONDO:0029136, OMIM 618138.

Allele frequency attached by ClinVar (database versions not stated): gnomAD exomes below 0.00001; TOPMed below 0.00001.
gnomAD v4.1: 6 of 1,607,288 alleles (0.00037%); highest among the groups gnomAD compares: Non-Finnish European, 0.00051%; no homozygotes.

Submissions (7):

Labcorp Genetics (formerly Invitae), Labcorp
Classification: Pathogenic for LAMA2-related muscular dystrophy. Last evaluated: 2024-11-18. Review status: criteria provided, single submitter. Criteria: Invitae Variant Classification Sherloc (09022015). Collection method: clinical testing. Allele origin: germline.
Comment: This sequence change creates a premature translational stop signal (p.Tyr1334*) in the LAMA2 gene. It is expected to result in an absent or disrupted protein product. Loss-of-function variants in LAMA2 are known to be pathogenic (PMID: 18700894, 32904964). This variant is not present in population databases (gnomAD no frequency). This premature translational stop signal has been observed in individual(s) with congenital muscular dystrophy (PMID: 30055037). ClinVar contains an entry for this variant (Variation ID: 620506). For these reasons, this variant has been classified as Pathogenic.

Fulgent Genetics
Classification: Pathogenic for Merosin deficient congenital muscular dystrophy; Muscular dystrophy, limb-girdle, autosomal recessive 23. Last evaluated: 2024-04-22. Review status: criteria provided, single submitter. Criteria: ACMG Guidelines, 2015. Collection method: clinical testing. Allele origin: germline.

Baylor Genetics
Classification: Pathogenic for Merosin deficient congenital muscular dystrophy. Last evaluated: 2023-12-02. Review status: criteria provided, single submitter. Criteria: ACMG Guidelines, 2015. Collection method: clinical testing. Allele origin: unknown.

Mayo Clinic Laboratories, Mayo Clinic
Classification: Pathogenic. Last evaluated: 2023-02-22. Review status: criteria provided, single submitter. Criteria: ACMG Guidelines, 2015. Collection method: clinical testing. Allele origin: germline. Observed: 1 variant allele.
Comment: PP4, PM2, PVS1

GeneDx
Classification: Pathogenic. Last evaluated: 2022-09-26. Review status: criteria provided, single submitter. Criteria: GeneDx Variant Classification Process June 2021. Collection method: clinical testing. Allele origin: germline. Affected: yes.
Comment: Nonsense variant predicted to result in protein truncation or nonsense mediated decay in a gene for which loss of function is a known mechanism of disease; Reported with a second variant in the LAMA2 gene in a patient with congenital muscular dystrophy type 1A in the published literature; however, segregation information was not provided (Oliveira et al., 2018); Not observed at significant frequency in large population cohorts (gnomAD); This variant is associated with the following publications: (PMID: 29212164, 32904964, 30055037)

Revvity Omics, Revvity
Classification: Pathogenic. Last evaluated: 2021-10-20. Review status: criteria provided, single submitter. Criteria: ACMG Guidelines, 2015. Collection method: clinical testing. Allele origin: germline.

PreventionGenetics, part of Exact Sciences
Classification: Pathogenic for LAMA2-related condition. Last evaluated: 2024-07-31. Review status: no assertion criteria provided. Collection method: clinical testing. Allele origin: germline. Not counted in ClinVar's aggregate classification.
Comment: The LAMA2 c.4002T>G variant is predicted to result in premature protein termination (p.Tyr1334*). This variant was reported in the compound heterozygous state in an individual with congenital muscular dystrophy, type 1A (Table 1, Oliveira et al. 2018. PubMed ID: 30055037). This variant has not been reported in a large population database, indicating this variant is rare. Nonsense variants in LAMA2 are expected to be pathogenic. It is interpreted as pathogenic in ClinVar. This variant is interpreted as pathogenic.

Literature cited by the submitters: PubMed 18700894 (cited by Labcorp Genetics (formerly Invitae), Labcorp); PubMed 32904964 (cited by Labcorp Genetics (formerly Invitae), Labcorp); PubMed 30055037 (cited by Labcorp Genetics (formerly Invitae), Labcorp and Mayo Clinic Laboratories, Mayo Clinic).

NM_000426.4(LAMA2):c.4002T>G (p.Tyr1334Ter)

Gene: LAMA2 (laminin subunit alpha 2; plus strand). Cytogenetic location: 6q22.33.
Variant type: single nucleotide variant.
Coding change: c.4002T>G on transcript NM_000426.4 (MANE Select); coding-DNA position 4002, T replaced by G.
Protein change: p.Tyr1334Ter; replaces tyrosine 1334 with a stop codon.
Molecular consequence: nonsense.
Genome position (GRCh38, 1-based): chr6:129,316,115, T>G. VCF-style: chr6-129316115-T-G. GRCh37 (hg19) VCF-style: chr6-129637260-T-G.
Other names: p.Tyr1334*; c.4002T>G, p.Tyr1334Ter (NM_001079823.2); short protein forms Y1334*.
Identifiers: ClinVar variation 620506 (VCV000620506.19), dbSNP rs1562451730, ClinGen allele CA365613754.